The following is an entry in ClinVar:

ClinVar aggregate classification (germline): Uncertain significance (1 of 4 stars; one submission).

gnomAD v4.1: 5 of 1,613,418 alleles (0.00031%); highest among the groups gnomAD compares: East Asian, 0.0045%; no homozygotes.

Submission:

Labcorp Genetics (formerly Invitae), Labcorp
Classification: Uncertain significance. Last evaluated: 2025-06-23. Review status: criteria provided, single submitter. Criteria: Invitae Variant Classification Sherloc (09022015). Collection method: clinical testing. Allele origin: germline.
Comment: This sequence change replaces arginine, which is basic and polar, with glutamine, which is neutral and polar, at codon 1098 of the SRCAP protein (p.Arg1098Gln). This variant is not present in population databases (gnomAD no frequency). This variant has not been reported in the literature in individuals affected with SRCAP-related conditions. Invitae Evidence Modeling of protein sequence and biophysical properties (such as structural, functional, and spatial information, amino acid conservation, physicochemical variation, residue mobility, and thermodynamic stability) indicates that this missense variant is not expected to disrupt SRCAP protein function with a negative predictive value of 80%. In summary, the available evidence is currently insufficient to determine the role of this variant in disease. Therefore, it has been classified as a Variant of Uncertain Significance.

NM_006662.3(SRCAP):c.3293G>A (p.Arg1098Gln)

Gene: SRCAP (Snf2 related CREBBP activator protein; plus strand). Cytogenetic location: 16p11.2.
Variant type: single nucleotide variant.
Coding change: c.3293G>A on transcript NM_006662.3 (MANE Select); coding-DNA position 3293, G replaced by A.
Protein change: p.Arg1098Gln; replaces arginine 1098 with glutamine.
Molecular consequence: missense variant.
Genome position (GRCh38, 1-based): chr16:30,721,228, G>A. VCF-style: chr16-30721228-G-A. GRCh37 (hg19) VCF-style: chr16-30732549-G-A.
Other names: short protein forms R1098Q.
Identifiers: ClinVar variation 4768059 (VCV004768059.1).